The following is an entry in ClinVar:

ClinVar aggregate classification (germline): Uncertain significance (1 of 4 stars; one submission).

Conditions:
Hereditary spastic paraplegia 54. Also called: Spastic paraplegia 54, autosomal recessive. Identifiers: Orphanet 320380, MedGen C3539495, MONDO:0014018, OMIM 615033.

Allele frequency attached by ClinVar (database versions not stated): ExAC 0.00001; gnomAD exomes 0.00001 and 0.00002; TOPMed 0.00002; gnomAD 0.00004 and 0.00005; 1000 Genomes Project 30x 0.00047; 1000 Genomes Project 0.00060.
gnomAD v4.1: 19 of 1,610,964 alleles (0.0012%); highest among the groups gnomAD compares: Admixed American, 0.023%; no homozygotes.

Submission:

Labcorp Genetics (formerly Invitae), Labcorp
Classification: Uncertain significance for Hereditary spastic paraplegia 54. Last evaluated: 2022-02-03. Review status: criteria provided, single submitter. Criteria: Invitae Variant Classification Sherloc (09022015). Collection method: clinical testing. Allele origin: germline.
Comment: This sequence change replaces isoleucine, which is neutral and non-polar, with valine, which is neutral and non-polar, at codon 223 of the DDHD2 protein (p.Ile223Val). This variant is present in population databases (rs180936280, gnomAD 0.003%). This variant has not been reported in the literature in individuals affected with DDHD2-related conditions. ClinVar contains an entry for this variant (Variation ID: 1043029). Algorithms developed to predict the effect of missense changes on protein structure and function are either unavailable or do not agree on the potential impact of this missense change (SIFT: "Deleterious"; PolyPhen-2: "Probably Damaging"; Align-GVGD: "Class C0"). In summary, the available evidence is currently insufficient to determine the role of this variant in disease. Therefore, it has been classified as a Variant of Uncertain Significance.

NM_015214.3(DDHD2):c.667A>G (p.Ile223Val)

Gene: DDHD2 (DDHD domain containing 2; plus strand). Cytogenetic location: 8p11.23.
Variant type: single nucleotide variant.
Coding change: c.667A>G on transcript NM_015214.3 (MANE Select); coding-DNA position 667, A replaced by G.
Protein change: p.Ile223Val; replaces isoleucine 223 with valine.
Molecular consequence: missense variant. On other transcripts: non-coding transcript variant (2), intron variant (1).
Genome position (GRCh38, 1-based): chr8:38,240,319, A>G. VCF-style: chr8-38240319-A-G. GRCh37 (hg19) VCF-style: chr8-38097837-A-G.
Other names: c.667A>G, p.Ile223Val (NM_001164232.2, NM_001362911.2, NM_001362912.2 and 1 more transcripts); c.623-1931A>G (NM_001362913.2); short protein forms I223V.
Identifiers: ClinVar variation 1043029 (VCV001043029.2), dbSNP rs180936280, ClinGen allele CA4716057.
Genomic context (GRCh38, chr8:38,240,319, plus strand): 5'-TTAATTTCATTTATAGGAGAACCTTTACAAATAGATCACTTGGTTTTTGTAGTCCATGGG[A>G]TTGGACCAGCTTGTGATCTCCGCTTTCGAAGCATTGTACAGTGTGGTAGGTTTGCAAAGC-3'
Protein context (NP_056029.2, residues 213-233): IDHLVFVVHG[Ile223Val]GPACDLRFRS